The following is an entry in ClinVar:

ClinVar aggregate classification (germline): Uncertain significance. Review status: criteria provided, multiple submitters, no conflicts (2 of 4 stars). 2 submissions from 2 submitters: Uncertain significance (2). Last evaluated 2025-05-06.

Conditions:
Inborn genetic diseases. Identifiers: MedGen C0950123, MeSH D030342.
Diffuse cerebral and cerebellar atrophy - intractable seizures - progressive microcephaly syndrome. Also called: Microcephaly, progressive, with seizures and cerebral and cerebellar atrophy. Identifiers: Orphanet 404437, MedGen C4014239, MONDO:0014335, OMIM 615760.

Allele frequency attached by ClinVar (database versions not stated): ExAC 0.00001; ESP Exome Variant Server 0.00008.

Submissions (2):

Ambry Genetics
Classification: Uncertain significance for Inborn genetic diseases. Last evaluated: 2025-05-06. Review status: criteria provided, single submitter. Criteria: Ambry Variant Classification Scheme 2023. Collection method: clinical testing. Allele origin: germline.

Labcorp Genetics (formerly Invitae), Labcorp
Classification: Uncertain significance for Diffuse cerebral and cerebellar atrophy - intractable seizures - progressive microcephaly syndrome. Last evaluated: 2022-10-18. Review status: criteria provided, single submitter. Criteria: Invitae Variant Classification Sherloc (09022015). Collection method: clinical testing. Allele origin: germline.
Comment: This sequence change replaces glutamic acid, which is acidic and polar, with lysine, which is basic and polar, at codon 459 of the QARS protein (p.Glu459Lys). The frequency data for this variant in the population databases is considered unreliable, as metrics indicate poor data quality at this position in the gnomAD database. This variant has not been reported in the literature in individuals affected with QARS-related conditions. Algorithms developed to predict the effect of missense changes on protein structure and function (SIFT, PolyPhen-2, Align-GVGD) all suggest that this variant is likely to be disruptive. In summary, the available evidence is currently insufficient to determine the role of this variant in disease. Therefore, it has been classified as a Variant of Uncertain Significance.

NM_005051.3(QARS1):c.1375G>A (p.Glu459Lys)

Gene: QARS1 (glutaminyl-tRNA synthetase 1; minus strand). Cytogenetic location: 3p21.31.
Variant type: single nucleotide variant.
Coding change: c.1375G>A on transcript NM_005051.3 (MANE Select); coding-DNA position 1375, G replaced by A.
Protein change: p.Glu459Lys; replaces glutamic acid 459 with lysine.
Molecular consequence: missense variant. On other transcripts: non-coding transcript variant (1).
Genome position (GRCh38, 1-based): chr3:49,099,774, C>T on the plus strand (G>A on the coding strand, the complement: QARS1 is on the minus strand). VCF-style: chr3-49099774-C-T. GRCh37 (hg19) VCF-style: chr3-49137207-C-T.
Other names: c.1342G>A, p.Glu448Lys (NM_001272073.2); c.1375G>A (NM_005051.1); short protein forms E448K, E459K.
Identifiers: ClinVar variation 2097458 (VCV002097458.2), dbSNP rs376599645, ClinGen allele CA2391775.